The following is an entry in ClinVar:

NM_015692.5(CPAMD8):c.2850A>C (p.Arg950Ser)

Gene: CPAMD8 (C3 and PZP like alpha-2-macroglobulin domain containing 8; minus strand). Cytogenetic location: 19p13.11.
Variant type: single nucleotide variant.
Coding change: c.2850A>C on transcript NM_015692.5 (MANE Select); coding-DNA position 2850, A replaced by C.
Protein change: p.Arg950Ser; replaces arginine 950 with serine.
Molecular consequence: missense variant.
Genome position (GRCh38, 1-based): chr19:16,929,236, T>G on the plus strand (A>C on the coding strand, the complement: CPAMD8 is on the minus strand). VCF-style: chr19-16929236-T-G. GRCh37 (hg19) VCF-style: chr19-17040046-T-G.
Other names: short protein forms R950S.
Identifiers: ClinVar variation 2589310 (VCV002589310.5), dbSNP rs755022510, ClinGen allele CA9285152.

ClinVar aggregate classification (germline): Uncertain significance. Review status: criteria provided, multiple submitters, no conflicts (2 of 4 stars). 2 submissions from 2 submitters: Uncertain significance (2). Last evaluated 2023-08-27.

Conditions:
Inborn genetic diseases. Identifiers: MedGen C0950123, MeSH D030342.

Allele frequency attached by ClinVar (database versions not stated): ExAC 0.00002; TOPMed 0.00002; gnomAD 0.00003; gnomAD exomes 0.00003.
gnomAD v4.1: 50 of 1,597,480 alleles (0.0031%); highest among the groups gnomAD compares: Non-Finnish European, 0.0042%; no homozygotes.

Submissions (2):

Labcorp Genetics (formerly Invitae), Labcorp
Classification: Uncertain significance. Last evaluated: 2023-08-27. Review status: criteria provided, single submitter. Criteria: Invitae Variant Classification Sherloc (09022015). Collection method: clinical testing. Allele origin: germline.
Comment: In summary, the available evidence is currently insufficient to determine the role of this variant in disease. Therefore, it has been classified as a Variant of Uncertain Significance. An algorithm developed to predict the effect of missense changes on protein structure and function (PolyPhen-2) suggests that this variant is likely to be disruptive. This variant has not been reported in the literature in individuals affected with CPAMD8-related conditions. This variant is present in population databases (rs755022510, gnomAD 0.004%). This sequence change replaces arginine, which is basic and polar, with serine, which is neutral and polar, at codon 997 of the CPAMD8 protein (p.Arg997Ser).

Ambry Genetics
Classification: Uncertain significance for Inborn genetic diseases. Last evaluated: 2023-07-05. Review status: criteria provided, single submitter. Criteria: Ambry Variant Classification Scheme 2023. Collection method: clinical testing. Allele origin: germline.